The following is an entry in ClinVar:

ClinVar aggregate classification (germline): Uncertain significance. Review status: criteria provided, single submitter (1 of 4 stars). 2 submissions from 2 submitters: Uncertain significance (1). 1 of the submissions does not count toward it. Last evaluated 2023-08-10.

Conditions:
COL18A1-related disorder. Also called: COL18A1-related condition; COL18A1-related disorders.

Allele frequency attached by ClinVar (database versions not stated): ExAC 0.00003; gnomAD exomes 0.00005; gnomAD 0.00010; TOPMed 0.00010; 1000 Genomes Project 30x 0.00031; 1000 Genomes Project 0.00040.
gnomAD v4.1: 83 of 1,612,754 alleles (0.0051%); highest among the groups gnomAD compares: African/African-American, 0.019%; no homozygotes.

Submissions (2):

GeneDx
Classification: Uncertain significance. Last evaluated: 2023-08-10. Review status: criteria provided, single submitter. Criteria: GeneDx Variant Classification Process June 2021. Collection method: clinical testing. Allele origin: germline. Affected: yes.
Comment: The variant alters a conserved residue located in the Kozak sequence, which plays a role in the initiation of protein translation. However, in the absence of functional studies, the actual effect of the variant is uncertain; Has not been previously published as pathogenic or benign to our knowledge; Reported using an alternate transcript of the gene

PreventionGenetics, part of Exact Sciences
Classification: Likely benign for COL18A1-related condition. Last evaluated: 2021-02-22. Review status: no assertion criteria provided. Collection method: clinical testing. Allele origin: germline. Not counted in ClinVar's aggregate classification.
Comment: This variant is classified as likely benign based on ACMG/AMP sequence variant interpretation guidelines (Richards et al. 2015 PMID: 25741868, with internal and published modifications).

NM_001379500.1(COL18A1):c.107-12712G>A

Gene: COL18A1 (collagen type XVIII alpha 1 chain; plus strand). Cytogenetic location: 21q22.3.
Variant type: single nucleotide variant.
Coding change: c.107-12712G>A on transcript NM_001379500.1 (MANE Select); 12712 bases into the intron before coding-DNA position 107, G replaced by A.
Molecular consequence: intron variant. On other transcripts: 5 prime UTR variant (2).
Genome position (GRCh38, 1-based): chr21:45,455,530, G>A. VCF-style: chr21-45455530-G-A. GRCh37 (hg19) VCF-style: chr21-46875444-G-A.
Other names: c.-1G>A (NM_030582.4, NM_130444.3).
Identifiers: ClinVar variation 3047434 (VCV003047434.2), dbSNP rs576327205, ClinGen allele CA10065360.